The following is an entry in ClinVar:

ClinVar aggregate classification (germline): Uncertain significance (1 of 4 stars; one submission).

Conditions:
Diffuse cerebral and cerebellar atrophy - intractable seizures - progressive microcephaly syndrome. Also called: Microcephaly, progressive, with seizures and cerebral and cerebellar atrophy. Identifiers: Orphanet 404437, MedGen C4014239, MONDO:0014335, OMIM 615760.

Allele frequency attached by ClinVar (database versions not stated): gnomAD exomes 0.00001 and 0.00002; TOPMed 0.00001; ExAC 0.00003.
gnomAD v4.1: 7 of 1,613,682 alleles (0.00043%); highest among the groups gnomAD compares: Admixed American, 0.01%; no homozygotes.

Submission:

Labcorp Genetics (formerly Invitae), Labcorp
Classification: Uncertain significance for Diffuse cerebral and cerebellar atrophy - intractable seizures - progressive microcephaly syndrome. Last evaluated: 2022-03-26. Review status: criteria provided, single submitter. Criteria: Invitae Variant Classification Sherloc (09022015). Collection method: clinical testing. Allele origin: germline.
Comment: This sequence change replaces isoleucine, which is neutral and non-polar, with valine, which is neutral and non-polar, at codon 130 of the QARS protein (p.Ile130Val). This variant is present in population databases (rs777778390, gnomAD 0.02%). This variant has not been reported in the literature in individuals affected with QARS-related conditions. Algorithms developed to predict the effect of missense changes on protein structure and function (SIFT, PolyPhen-2, Align-GVGD) all suggest that this variant is likely to be tolerated. In summary, the available evidence is currently insufficient to determine the role of this variant in disease. Therefore, it has been classified as a Variant of Uncertain Significance.

NM_005051.3(QARS1):c.388A>G (p.Ile130Val)

Gene: QARS1 (glutaminyl-tRNA synthetase 1; minus strand). Cytogenetic location: 3p21.31.
Variant type: single nucleotide variant.
Coding change: c.388A>G on transcript NM_005051.3 (MANE Select); coding-DNA position 388, A replaced by G.
Protein change: p.Ile130Val; replaces isoleucine 130 with valine.
Molecular consequence: missense variant. On other transcripts: non-coding transcript variant (1).
Genome position (GRCh38, 1-based): chr3:49,103,694, T>C on the plus strand (A>G on the coding strand, the complement: QARS1 is on the minus strand). VCF-style: chr3-49103694-T-C. GRCh37 (hg19) VCF-style: chr3-49141127-T-C.
Other names: c.355A>G, p.Ile119Val (NM_001272073.2); short protein forms I119V, I130V.
Identifiers: ClinVar variation 1397630 (VCV001397630.41), dbSNP rs777778390, ClinGen allele CA2392183.